The following is an entry in ClinVar:

ClinVar aggregate classification (germline): Pathogenic/Likely pathogenic. Review status: criteria provided, multiple submitters, no conflicts (2 of 4 stars). 4 submissions from 3 submitters: Pathogenic (1); Likely pathogenic (1). 2 of the submissions do not count toward it. Last evaluated 2023-01-21.

Conditions:
Cataract 14 multiple types. Also called: CATARACT 14, ZONULAR PULVERULENT; CATARACT 14, NUCLEAR PULVERULENT; CATARACT 14, NUCLEAR PULVERULENT AND POSTERIOR POLAR; CATARACT 14, NUCLEAR CORALLIFORM; CATARACT 14, EMBRYONAL NUCLEAR; CATARACT 14, COPPOCK-LIKE. Identifiers: Orphanet 91492, MedGen C1866078, MONDO:0011162, OMIM 601885.
Developmental cataract. Also called: Bilateral cataracts; Congenital cataracts; Congenital cataract. Identifiers: MedGen C0009691, HP:0000519.
Congenital cataracts-facial dysmorphism-neuropathy syndrome (CCFDN). Also called: CATARACT, CONGENITAL, WITH FACIAL DYSMORPHISM AND NEUROPATHY; CTDP1-Related Congenital Cataracts, Facial Dysmorphism, and Neuropathy. Identifiers: Orphanet 48431, MedGen C1858726, MONDO:0011402, OMIM 604168.

Allele frequency attached by ClinVar (database versions not stated): gnomAD exomes below 0.00001; TOPMed below 0.00001.

Submissions (4):

Dept. Genetics and Cancer, Menzies Institute for Medical Research, University of Tasmania
Classification: Likely pathogenic for Cataract 14 multiple types. Last evaluated: 2023-01-21. Review status: criteria provided, single submitter. Criteria: ACMG Guidelines, 2015. Collection method: curation. Allele origin: germline. Affected: yes.
Comment: Variant identified and curated during a GJA3 specific review of the literature in relation to pediatric or congenital cataract. ACMG-AMP criteria applied: PM1, PP1(Moderate), PS4(supporting), PM2(supporting), PP3. Original variant report: PMID:21031021;28839118;36161833;29461512. The cataract phenotype/s reported for this variant are: Posterior polar, nuclear, and dense nuclear. Gene review and curation guidelines are outlined in: DOI 10.1080/17469899.2023.2160320

Genetics and Molecular Pathology, SA Pathology
Classification: Pathogenic for Congenital cataracts-facial dysmorphism-neuropathy syndrome. Last evaluated: 2020-06-17. Review status: criteria provided, single submitter. Criteria: ACMG Guidelines, 2015. Collection method: clinical testing. Allele origin: germline. Affected: yes.
Comment: The GJA3 c.56C>T variant is classified as Pathogenic (PS3, PM2, PP3, PP4, PP1_Strong)

Dept. Genetics and Cancer, Menzies Institute for Medical Research, University of Tasmania
Classification: Likely pathogenic for Developmental cataract. Last evaluated: 2021-05-01. Review status: no assertion criteria provided. Criteria: ACMG Guidelines, 2015. Collection method: research. Allele origin: germline. Affected: yes. Not counted in ClinVar's aggregate classification.
Comment: PM2, PP1_strong, PP3. Absent/near absent from population databases. Same variant has been reported as pathogenic (report with cataract PMID: 28839118, 21031021, 29461512), segregation (strong) with the disease in four families with five meioses (this study and PMID: 28839118, 21031021, 29461512). Multiple predictive tools assessing variant as damaging/pathogenic.

Department of Ophthalmology, Flinders University
Classification: Pathogenic for Developmental cataract. Last evaluated: 2016-07-29. Review status: no assertion criteria provided. Collection method: clinical testing. Allele origin: inherited. Affected: yes. Not counted in ClinVar's aggregate classification.

Literature cited by the submitters: PubMed 21031021 (cited by Dept. Genetics and Cancer, Menzies Institute for Medical Research, University of Tasmania); PubMed 28839118 (cited by Dept. Genetics and Cancer, Menzies Institute for Medical Research, University of Tasmania); PubMed 36161833 (cited by Dept. Genetics and Cancer, Menzies Institute for Medical Research, University of Tasmania); PubMed 29461512 (cited by Dept. Genetics and Cancer, Menzies Institute for Medical Research, University of Tasmania).

NM_021954.4(GJA3):c.56C>T (p.Thr19Met)

Gene: GJA3 (gap junction protein alpha 3; minus strand). Cytogenetic location: 13q12.11.
Variant type: single nucleotide variant.
Coding change: c.56C>T on transcript NM_021954.4 (MANE Select); coding-DNA position 56, C replaced by T.
Protein change: p.Thr19Met; replaces threonine 19 with methionine.
Molecular consequence: missense variant.
Genome position (GRCh38, 1-based): chr13:20,143,233, G>A on the plus strand (C>T on the coding strand, the complement: GJA3 is on the minus strand). VCF-style: chr13-20143233-G-A. GRCh37 (hg19) VCF-style: chr13-20717372-G-A.
Other names: short protein forms T19M.
Identifiers: ClinVar variation 252944 (VCV000252944.6), dbSNP rs1114167307, ClinGen allele CA16609294.